The following is an entry in ClinVar:

NM_000329.3(RPE65):c.992G>A (p.Trp331Ter)

Gene: RPE65 (retinoid isomerohydrolase RPE65; minus strand). Cytogenetic location: 1p31.3.
Variant type: single nucleotide variant.
Coding change: c.992G>A on transcript NM_000329.3 (MANE Select); coding-DNA position 992, G replaced by A.
Protein change: p.Trp331Ter; replaces tryptophan 331 with a stop codon.
Molecular consequence: nonsense.
Genome position (GRCh38, 1-based): chr1:68,438,948, C>T on the plus strand (G>A on the coding strand, the complement: RPE65 is on the minus strand). VCF-style: chr1-68438948-C-T. GRCh37 (hg19) VCF-style: chr1-68904631-C-T.
Other names: short protein forms W331*.
Identifiers: ClinVar variation 1702637 (VCV001702637.10), dbSNP rs761471961, ClinGen allele CA902335.

ClinVar aggregate classification (germline): Pathogenic. Review status: criteria provided, multiple submitters, no conflicts (2 of 4 stars). 4 submissions from 4 submitters: Pathogenic (4). Last evaluated 2024-05-14.

Conditions:
Leber congenital amaurosis 2 (LCA2). Also called: AMAUROSIS CONGENITA OF LEBER II; Autosomal Recessive RPE65-Related Retinal Degeneration. Identifiers: Orphanet 65, MedGen C1859844, MONDO:0008765, OMIM 204100. Disease mechanism: loss of function.
RPE65-related recessive retinopathy. Also called: Recessive RPE65 retinopathy. Identifiers: MedGen CN305526, MONDO:0100368.
Retinitis pigmentosa 20 (RP20). Identifiers: Orphanet 791, MedGen C3151086, MONDO:0013425, OMIM 613794.

Allele frequency attached by ClinVar (database versions not stated): gnomAD exomes 0.00001 and below 0.00001; ExAC 0.00001.

Submissions (4):

Myriad Genetics, Inc.
Classification: Pathogenic for RPE65-related recessive retinopathy. Last evaluated: 2024-05-14. Review status: criteria provided, single submitter. Criteria: Myriad Autosomal Dominant, Autosomal Recessive and X-Linked Classification Criteria (2023). Collection method: clinical testing. Allele origin: unknown.
Comment: NM_000329.2(RPE65):c.992G>A(W331*) is expected to be pathogenic in the context of inherited retinal dystrophy, RPE65-related. This variant is predicted to lead to an abnormal or absent protein product due to the creation of a premature termination codon in RPE65, a gene where loss-of-function variants are known to be pathogenic. Please note: this variant was assessed in the context of healthy population screening.

Baylor Genetics
Classification: Pathogenic for Leber congenital amaurosis 2. Last evaluated: 2024-02-29. Review status: criteria provided, single submitter. Criteria: ACMG Guidelines, 2015. Collection method: clinical testing. Allele origin: unknown.

Labcorp Genetics (formerly Invitae), Labcorp
Classification: Pathogenic for Leber congenital amaurosis 2; Retinitis pigmentosa 20. Last evaluated: 2023-01-24. Review status: criteria provided, single submitter. Criteria: Invitae Variant Classification Sherloc (09022015). Collection method: clinical testing. Allele origin: germline.
Comment: For these reasons, this variant has been classified as Pathogenic. ClinVar contains an entry for this variant (Variation ID: 1702637). This premature translational stop signal has been observed in individual(s) with Leber congenital amaurosis (PMID: 26047050). This variant is present in population databases (rs761471961, gnomAD 0.003%). This sequence change creates a premature translational stop signal (p.Trp331*) in the RPE65 gene. It is expected to result in an absent or disrupted protein product. Loss-of-function variants in RPE65 are known to be pathogenic (PMID: 9326941, 9501220, 9843205, 18632300).

GeneDx
Classification: Pathogenic. Last evaluated: 2022-08-12. Review status: criteria provided, single submitter. Criteria: GeneDx Variant Classification Process June 2021. Collection method: clinical testing. Allele origin: germline. Affected: yes.
Comment: Nonsense variant predicted to result in protein truncation or nonsense mediated decay in a gene for which loss of function is a known mechanism of disease; Not observed at significant frequency in large population cohorts (gnomAD); This variant is associated with the following publications: (PMID: 26047050)

Literature cited by the submitters: PubMed 26047050 (cited by Labcorp Genetics (formerly Invitae), Labcorp); PubMed 9326941 (cited by Labcorp Genetics (formerly Invitae), Labcorp); PubMed 9501220 (cited by Labcorp Genetics (formerly Invitae), Labcorp); PubMed 9843205 (cited by Labcorp Genetics (formerly Invitae), Labcorp); PubMed 18632300 (cited by Labcorp Genetics (formerly Invitae), Labcorp).